The following is an entry in ClinVar:

ClinVar aggregate classification (germline): Pathogenic (0 of 4 stars; one submission).

Conditions:
Hemolytic disease of fetus OR newborn due to isoimmunization. Also called: Hemolytic Disease of the Newborn; Fetal erythroblastosis. Identifiers: Orphanet 275938, MedGen C0014761, MONDO:0006760.

Submission:

Australian Red Cross Blood Service
Classification: Pathogenic for Hemolytic disease of fetus OR newborn due to isoimmunization. Last evaluated: 2017-05-20. Review status: no assertion criteria provided. Collection method: clinical testing. Allele origin: paternal. Inheritance: Autosomal recessive inheritance. Affected: yes. Observed: 1 variant allele, 1 heterozygote.

NM_001372327.1(SLC29A1):c.1159A>C (p.Thr387Pro)

Gene: SLC29A1 (solute carrier family 29 member 1 (Augustine blood group); plus strand). Cytogenetic location: 6p21.1.
Variant type: single nucleotide variant.
Coding change: c.1159A>C on transcript NM_001372327.1 (MANE Select); coding-DNA position 1159, A replaced by C.
Protein change: p.Thr387Pro; replaces threonine 387 with proline.
Molecular consequence: missense variant.
Genome position (GRCh38, 1-based): chr6:44,232,906, A>C. VCF-style: chr6-44232906-A-C. GRCh37 (hg19) VCF-style: chr6-44200643-A-C.
Other names: c.1159A>C, p.Thr387Pro (NM_001078175.3, NM_001078177.2); c.1396A>C, p.Thr466Pro (NM_001304462.2); c.1237A>C, p.Thr413Pro (NM_001304465.2); c.1234A>C, p.Thr412Pro (NM_001304466.2); short protein forms T387P, T413P, T412P, T466P.
Identifiers: ClinVar variation 429191 (VCV000429191.4), dbSNP rs1131690802, ClinGen allele CA364311409.
Genomic context (GRCh38, chr6:44,232,906, plus strand): 5'-GCCCGGCTGGTGTTTGTGCCACTGCTGCTGCTGTGCAACATTAAGCCCCGCCGCTACCTG[A>C]CTGTGGTCTTCGAGCACGATGCCTGGTTCATCTTCTTCATGGCTGCCTTTGCCTTCTCCA-3'
Protein context (NP_001359256.1, residues 377-397): LCNIKPRRYL[Thr387Pro]VVFEHDAWFI